The following is an entry in ClinVar:

NM_020795.4(NLGN2):c.1807G>A (p.Glu603Lys)

Gene: NLGN2 (neuroligin 2; plus strand). Cytogenetic location: 17p13.1.
Variant type: single nucleotide variant.
Coding change: c.1807G>A on transcript NM_020795.4 (MANE Select); coding-DNA position 1807, G replaced by A.
Protein change: p.Glu603Lys; replaces glutamic acid 603 with lysine.
Molecular consequence: missense variant.
Genome position (GRCh38, 1-based): chr17:7,417,098, G>A. VCF-style: chr17-7417098-G-A. GRCh37 (hg19) VCF-style: chr17-7320417-G-A.
Other names: short protein forms E603K.
Identifiers: ClinVar variation 5037182 (VCV005037182.1).

ClinVar aggregate classification (germline): Uncertain significance (1 of 4 stars; one submission).

Submission:

GeneDx
Classification: Uncertain significance. Last evaluated: 2026-04-14. Review status: criteria provided, single submitter. Criteria: GeneDx Variant Classification Process June 2021. Collection method: clinical testing. Allele origin: germline.
Comment: Not observed at significant frequency in large population cohorts (gnomAD); In silico analysis supports that this missense variant has a deleterious effect on protein structure/function; Has not been previously published as pathogenic or benign to our knowledge